The following is an entry in ClinVar:

NM_000032.5(ALAS2):c.47G>A (p.Arg16Gln)

Genes: ALAS2 (5'-aminolevulinate synthase 2; minus strand), LOC108663984 (ALAS2 intron 1 and 3 erythroid regulatory elements; plus strand). Cytogenetic location: Xp11.21.
Variant type: single nucleotide variant.
Coding change: c.47G>A on transcript NM_000032.5 (MANE Select); coding-DNA position 47, G replaced by A.
Protein change: p.Arg16Gln; replaces arginine 16 with glutamine.
Molecular consequence: missense variant.
Genome position (GRCh38, 1-based): chrX:55,025,954, C>T on the plus strand (G>A on the coding strand, the complement: ALAS2 is on the minus strand). VCF-style: chrX-55025954-C-T. GRCh37 (hg19) VCF-style: chrX-55052387-C-T.
Other names: c.47G>A, p.Arg16Gln (NM_001037967.4); c.119G>A, p.Arg40Gln (NM_001037968.4); short protein forms R16Q, R40Q.
Identifiers: ClinVar variation 2200658 (VCV002200658.30), dbSNP rs768601358, ClinGen allele CA322141.

ClinVar aggregate classification (germline): Benign/Likely benign. Review status: criteria provided, multiple submitters, no conflicts (2 of 4 stars). 4 submissions from 4 submitters: Benign (1); Likely benign (3). Last evaluated 2025-11-12.

Conditions:
ALAS2-related disorder. Also called: ALAS2-related condition.

Allele frequency attached by ClinVar (database versions not stated): gnomAD 0.00012; gnomAD exomes 0.00012; TOPMed 0.00021; ExAC 0.00038.
gnomAD v4.1: 141 of 1,209,030 alleles (0.012%); highest among the groups gnomAD compares: Admixed American, 0.085%; no homozygotes.

Submissions (4):

Labcorp Genetics (formerly Invitae), Labcorp
Classification: Benign. Last evaluated: 2025-11-12. Review status: criteria provided, single submitter. Criteria: Invitae Variant Classification Sherloc (09022015). Collection method: clinical testing. Allele origin: germline.

PreventionGenetics, part of Exact Sciences
Classification: Likely benign for ALAS2-related condition. Last evaluated: 2025-02-21. Review status: criteria provided, single submitter. Criteria: ACMG Guidelines, 2015. Collection method: clinical testing. Allele origin: germline.
Comment: This variant is classified as likely benign based on ACMG/AMP sequence variant interpretation guidelines (Richards et al. 2015 PMID: 25741868, with internal and published modifications).

CeGaT Center for Human Genetics Tuebingen
Classification: Likely benign. Last evaluated: 2025-01-01. Review status: criteria provided, single submitter. Criteria: CeGaT Center For Human Genetics Tuebingen Variant Classification Criteria Version 2. Collection method: clinical testing. Allele origin: germline. Affected: yes. Observed: 2 variant alleles.
Comment: ALAS2: BS2

Blueprint Genetics
Classification: Likely benign. Last evaluated: 2024-10-23. Review status: criteria provided, single submitter. Criteria: ACMG Guidelines, 2015. Collection method: clinical testing. Allele origin: germline.